The following is an entry in ClinVar:

ClinVar aggregate classification (germline): Uncertain significance (1 of 4 stars; one submission).

Allele frequency attached by ClinVar (database versions not stated): gnomAD exomes below 0.00001.
gnomAD v4.1: 2 of 1,614,210 alleles (0.00012%); highest among the groups gnomAD compares: Non-Finnish European, 0.000085%; no homozygotes.

Submission:

Labcorp Genetics (formerly Invitae), Labcorp
Classification: Uncertain significance. Last evaluated: 2025-11-11. Review status: criteria provided, single submitter. Criteria: Invitae Variant Classification Sherloc (09022015). Collection method: clinical testing. Allele origin: germline.
Comment: This sequence change replaces threonine, which is neutral and polar, with serine, which is neutral and polar, at codon 293 of the TERF2IP protein (p.Thr293Ser). This variant is not present in population databases (gnomAD no frequency). This variant has not been reported in the literature in individuals affected with TERF2IP-related conditions. ClinVar contains an entry for this variant (Variation ID: 2125011). An algorithm developed to predict the effect of missense changes on protein structure and function (PolyPhen-2) suggests that this variant is likely to be tolerated. In summary, the available evidence is currently insufficient to determine the role of this variant in disease. Therefore, it has been classified as a Variant of Uncertain Significance.

NM_018975.4(TERF2IP):c.877A>T (p.Thr293Ser)

Gene: TERF2IP (TERF2 interacting protein; plus strand). Cytogenetic location: 16q23.1.
Variant type: single nucleotide variant.
Coding change: c.877A>T on transcript NM_018975.4 (MANE Select); coding-DNA position 877, A replaced by T.
Protein change: p.Thr293Ser; replaces threonine 293 with serine.
Molecular consequence: missense variant. On other transcripts: non-coding transcript variant (1).
Genome position (GRCh38, 1-based): chr16:75,656,288, A>T. VCF-style: chr16-75656288-A-T. GRCh37 (hg19) VCF-style: chr16-75690186-A-T.
Other names: short protein forms T293S.
Identifiers: ClinVar variation 2125011 (VCV002125011.4), dbSNP rs2507089295, ClinGen allele CA396819778.